The following is an entry in ClinVar:

ClinVar aggregate classification (germline): Benign/Likely benign. Review status: criteria provided, multiple submitters, no conflicts (2 of 4 stars). 8 submissions from 8 submitters: Benign (4); Likely benign (4). Last evaluated 2026-09-21.

Conditions:
Cardiovascular phenotype. Identifiers: MedGen CN230736.
Aortic valve disease 2 (AOVD2). Identifiers: MedGen C3542024, MONDO:0013902, OMIM 614823.
Holt-Oram syndrome (HOS). Also called: Ventriculo-radial syndrome; Cardiac-limb syndrome; Heart-hand syndrome, type 1; TBX5-Related Holt-Oram Syndrome. Identifiers: Orphanet 392, MedGen C0265264, MONDO:0007732, OMIM 142900.

Allele frequency attached by ClinVar (database versions not stated): gnomAD 0.00194; TOPMed 0.00219; ESP Exome Variant Server 0.00246; 1000 Genomes Project 0.00280; 1000 Genomes Project 30x 0.00344.
gnomAD v4.1: 694 of 1,613,964 alleles (0.043%); highest among the groups gnomAD compares: African/African-American, 0.73%; 1 homozygote.

Submissions (8):

Molecular Diagnostic Laboratory for Inherited Cardiovascular Disease, Montreal Heart Institute
Classification: Likely benign. Last evaluated: 2026-09-21. Review status: criteria provided, single submitter. Criteria: ACMG Guidelines, 2015. Collection method: clinical testing. Allele origin: germline. Affected: no.
Comment: BS1;BP7

CeGaT Center for Human Genetics Tuebingen
Classification: Likely benign. Last evaluated: 2026-02-01. Review status: criteria provided, single submitter. Criteria: CeGaT Center For Human Genetics Tuebingen Variant Classification Criteria Version 2. Collection method: clinical testing. Allele origin: germline. Affected: yes. Observed: 1 variant allele.
Comment: TBX5: BP4, BP7, BS1

Labcorp Genetics (formerly Invitae), Labcorp
Classification: Benign for Aortic valve disease 2. Last evaluated: 2026-01-26. Review status: criteria provided, single submitter. Criteria: Invitae Variant Classification Sherloc (09022015). Collection method: clinical testing. Allele origin: germline.

Blueprint Genetics
Classification: Likely benign. Last evaluated: 2024-11-22. Review status: criteria provided, single submitter. Criteria: ACMG Guidelines, 2015. Collection method: clinical testing. Allele origin: germline.

GeneDx
Classification: Likely benign. Last evaluated: 2020-12-02. Review status: criteria provided, single submitter. Criteria: GeneDx Variant Classification Process June 2021. Collection method: clinical testing. Allele origin: germline. Affected: yes.

Illumina Laboratory Services, Illumina
Classification: Benign for Holt-Oram syndrome. Last evaluated: 2018-01-12. Review status: criteria provided, single submitter. Criteria: ICSL Variant Classification Criteria 13 December 2019. Collection method: clinical testing. Allele origin: germline.
Comment: This variant was observed in the ICSL laboratory as part of a predisposition screen in an ostensibly healthy population. It had not been previously curated by ICSL or reported in the Human Gene Mutation Database (HGMD: prior to June 1st, 2018), and was therefore a candidate for classification through an automated scoring system. Utilizing variant allele frequency, disease prevalence and penetrance estimates, and inheritance mode, an automated score was calculated to assess if this variant is too frequent to cause the disease. Based on the score and internal cut-off values, a variant classified as benign is not then subjected to further curation. The score for this variant resulted in a classification of benign for this disease.

Ambry Genetics
Classification: Benign for Cardiovascular phenotype. Last evaluated: 2016-07-21. Review status: criteria provided, single submitter. Criteria: Ambry Variant Classification Scheme 2023. Collection method: clinical testing. Allele origin: germline.

Eurofins Ntd Llc (ga)
Classification: Benign. Last evaluated: 2015-06-01. Review status: criteria provided, single submitter. Criteria: EGL Classification Definitions 2015. Collection method: clinical testing. Allele origin: germline. Observed: 1 variant allele, 1 heterozygote.

NM_181486.4(TBX5):c.114C>T (p.Ser38=)

Gene: TBX5 (T-box transcription factor 5; minus strand). Cytogenetic location: 12q24.21.
Variant type: single nucleotide variant.
Coding change: c.114C>T on transcript NM_181486.4 (MANE Select); coding-DNA position 114, C replaced by T.
Protein change: p.Ser38=; no amino-acid change (serine 38 retained).
Molecular consequence: synonymous variant. On other transcripts: intron variant (1).
Genome position (GRCh38, 1-based): chr12:114,403,785, G>A on the plus strand (C>T on the coding strand, the complement: TBX5 is on the minus strand). VCF-style: chr12-114403785-G-A. GRCh37 (hg19) VCF-style: chr12-114841590-G-A.
Other names: c.114C>T, p.Ser38= (NM_000192.3); c.-3-1865C>T (NM_080717.4).
Identifiers: ClinVar variation 195034 (VCV000195034.31), dbSNP rs34014008, ClinGen allele CA201505.